The following is an entry in ClinVar:

ClinVar aggregate classification (germline): Likely pathogenic. Review status: reviewed by expert panel (3 of 4 stars). 8 submissions from 8 submitters: Likely pathogenic (1). 7 of the submissions do not count toward it. Last evaluated 2025-12-02.

Conditions:
Hereditary breast ovarian cancer syndrome. Also called: Hereditary breast and ovarian cancer syndrome; Hereditary breast and ovarian cancer; Hereditary breast and ovarian cancer syndrome (HBOC); Breast and ovarian cancer; Hereditary breast and/or ovarian cancer syndrome; BRCA1- and BRCA2-Associated Hereditary Breast and Ovarian Cancer. Identifiers: Orphanet 145, MedGen C0677776, MeSH D061325, MONDO:0003582. Disease mechanism: loss of function.
Hereditary cancer-predisposing syndrome. Also called: Neoplastic Syndromes, Hereditary; Tumor predisposition; Hereditary neoplastic syndrome; Hereditary Cancer Syndrome. Identifiers: Orphanet 140162, MedGen C0027672, MeSH D009386, MONDO:0015356.
BRCA2-related cancer predisposition. Identifiers: MedGen CN377758, MONDO:0700269.
Breast-ovarian cancer, familial, susceptibility to, 2 (BROVCA2). Also called: BRCA2 Hereditary Breast and Ovarian Cancer. Identifiers: Orphanet 145, MedGen C2675520, MONDO:0012933, OMIM 612555. Disease mechanism: loss of function.

Allele frequency attached by ClinVar (database versions not stated): TOPMed below 0.00001; gnomAD 0.00001.
gnomAD v4.1: 1 of 1,613,924 alleles (0.000062%); highest among the groups gnomAD compares: Non-Finnish European, 0.000085%; no homozygotes.

Submissions (8):

ClinGen ENIGMA BRCA1 and BRCA2 Variant Curation Expert Panel, ClinGen
Classification: Likely pathogenic for BRCA2-related cancer predisposition. Last evaluated: 2025-12-02. Review status: reviewed by expert panel. Criteria: CSpec BRCA12ACMG Rules Specifications V1.1. Collection method: curation. Allele origin: germline. Inheritance: Autosomal dominant inheritance.
Comment: The c.8375T>C variant in BRCA2 is a missense variant predicted to cause substitution of Leucine by Proline at amino acid 2792 (p.(Leu2792Pro)). This variant is present in gnomAD v2.1 (exomes only, non-cancer subset) or gnomAD v3.1 (non-cancer subset) but is below the ENIGMA BRCA1/2 VCEP threshold >0.00002 for BS1_Supporting (PM2_Supporting, BS1, and BA1 are not met). Reported by four calibrated studies to exhibit protein function similar to pathogenic control variants (PMIDs:39779857, 32444794, 38417439, 39779848) (PS3 met). This BRCA2 missense variant is within a key functional domain and the computational predictor BayesDel (noAF) gives a score of 0.54, above the recommended threshold of 0.30 for prediction of impact on BRCA2 function via protein change. A SpliceAI score of 0.01 predicts no impact on splicing (score threshold <0.10) (PP3 met). Multifactorial likelihood ratio analysis using clinically calibrated data produced a combined LR for this variant of 2.65 (based on Co-occurrence LR=1.05; Family History LR=2.53), within the thresholds for supporting evidence towards pathogenicity (LR >2.08 & ≤4.3) (PP4 met; Internal lab contributor). In summary, this variant meets the criteria to be classified as a Likely pathogenic variant for BRCA2-related cancer predisposition based on the ACMG/AMP criteria applied as specified by the ENIGMA BRCA1/2 VCEP (PS3, PP3, PP4).

Women's Health and Genetics/Laboratory Corporation of America, LabCorp
Classification: Likely pathogenic for Hereditary breast ovarian cancer syndrome. Last evaluated: 2025-10-07. Review status: criteria provided, single submitter. Criteria: LabCorp Variant Classification Summary - May 2015. Collection method: clinical testing. Allele origin: germline. Not counted in ClinVar's aggregate classification.
Comment: Variant summary: BRCA2 c.8375T>C (p.Leu2792Pro) results in a non-conservative amino acid change in the encoded protein sequence. Algorithms developed to predict the effect of missense changes on protein structure and function all suggest that this variant is likely to be disruptive. The variant was absent in 251416 control chromosomes. To our knowledge, no occurrence of c.8375T>C in individuals affected with BRCA2-related conditions has been reported. At least one publication reports experimental evidence evaluating an impact on protein function. The most pronounced variant effect results in loss of normal homology directed repair activity in vitro (HDR assay) (Guidugli_2018, Hu_2024). The following publications have been ascertained in the context of this evaluation (PMID: 19043619, 29394989, 39402389, 23108138, 39375938, 38417439, 37725113, 37067535, 33503928, 32042831, 30583724, 29884841, 24323938, 23108138, 18724707, 19043619, 18403564). ClinVar contains an entry for this variant (Variation ID: 52568). Based on the evidence outlined above, the variant was classified as likely pathogenic.

Ambry Genetics
Classification: Likely pathogenic for Hereditary cancer-predisposing syndrome. Last evaluated: 2024-12-04. Review status: criteria provided, single submitter. Criteria: Ambry Variant Classification Scheme 2023. Collection method: clinical testing. Allele origin: germline. Not counted in ClinVar's aggregate classification.
Comment: The p.L2792P variant (also known as c.8375T>C), located in coding exon 18 of the BRCA2 gene, results from a T to C substitution at nucleotide position 8375. The leucine at codon 2792 is replaced by proline, an amino acid with similar properties. This alteration is non-functional in multiple assays including a homology-directed, DNA repair assay and multiple drug sensitivity assays (Guidugli L et al. Am. J. Hum. Genet., 2018 Feb;102:233-248; Hart SN et al. Genet. Med., 2019 01;21:71-80; Ikegami M et al. Nat Commun, 2020 May;11:2573; Richardson ME et al. Am J Hum Genet, 2021 Mar;108:458-468). This variant is considered to be rare based on population cohorts in the Genome Aggregation Database (gnomAD). This amino acid position is highly conserved in available vertebrate species. In addition, this alteration is predicted to be deleterious by in silico analysis. Based on the majority of available evidence to date, this variant is likely to be pathogenic.

German Consortium for Hereditary Breast and Ovarian Cancer, University Hospital Cologne
Classification: Likely pathogenic for Hereditary breast ovarian cancer syndrome. Last evaluated: 2024-08-13. Review status: criteria provided, single submitter. Criteria: ClinGen BRCA2 V1.1.0. Collection method: curation. Allele origin: germline. Not counted in ClinVar's aggregate classification.
Comment: According to the ClinGen ENIGMA BRCA2 v1.1.0 criteria we chose these criteria: PS3 (strong pathogenic): Hart 2019 damaging, Ikegami 2020 fClass 4,5 , PM2 (supporting pathogenic): not in gnomAD V3, PP3 (supporting pathogenic): Variant is predicted to be pathogenic by BayesDel (threshold: 0.3, value: 0.54225).

Revvity Omics, Revvity
Classification: Likely pathogenic. Last evaluated: 2022-10-28. Review status: criteria provided, single submitter. Criteria: ACMG Guidelines, 2015. Collection method: clinical testing. Allele origin: germline. Not counted in ClinVar's aggregate classification.

Labcorp Genetics (formerly Invitae), Labcorp
Classification: Uncertain significance for Hereditary breast ovarian cancer syndrome. Last evaluated: 2022-03-08. Review status: criteria provided, single submitter. Criteria: Invitae Variant Classification Sherloc (09022015). Collection method: clinical testing. Allele origin: germline. Not counted in ClinVar's aggregate classification.
Comment: In summary, the available evidence is currently insufficient to determine the role of this variant in disease. Therefore, it has been classified as a Variant of Uncertain Significance. Experimental studies have shown that this missense change affects BRCA2 function (PMID: 19043619, 23108138, 29394989). Advanced modeling of protein sequence and biophysical properties (such as structural, functional, and spatial information, amino acid conservation, physicochemical variation, residue mobility, and thermodynamic stability) performed at Invitae indicates that this missense variant is expected to disrupt BRCA2 protein function. ClinVar contains an entry for this variant (Variation ID: 52568). This variant has not been reported in the literature in individuals affected with BRCA2-related conditions. This variant is not present in population databases (gnomAD no frequency). This sequence change replaces leucine, which is neutral and non-polar, with proline, which is neutral and non-polar, at codon 2792 of the BRCA2 protein (p.Leu2792Pro).

Cancer Variant Interpretation Group UK, Institute of Cancer Research, London
Classification: Likely pathogenic for Hereditary Breast and Ovarian Cancer. Last evaluated: 2018-10-09. Review status: criteria provided, single submitter. Criteria: ACMG Guidelines, 2015. Collection method: curation. Allele origin: germline. Not counted in ClinVar's aggregate classification.
Comment: Data used in classification: The frequency of this variant is 0/138,632 individuals (tgnomAD) (PM2_mod). This variant is predicted deleterious on AlignGVGD (class: C65), SIFT (Deleterious), Polyphen2 HumVar (probably damaging) and CADD (23.4) (PP3_sup). The variant is in the DNA-binding domain of BRCA2 (PM1_sup). In the BRCA2 Homology-Directed Repair Activity assay for the DNA Binding Domain (Guidugli et al Cancer Res 2013;73:265-275,Couch Lab), the variant has a probability of pathogenicity of 1.0 (PS3_strong). Data not used in classification: There are additional reports of this variant in ClinVar (1), BIC (1), and BRCA2 LOVD (1).

Breast Cancer Information Core (BIC) (BRCA2)
Classification: Uncertain significance for Breast-ovarian cancer, familial 2. Last evaluated: 2002-05-29. Review status: no assertion criteria provided. Collection method: clinical testing. Allele origin: germline. Affected: yes. Observed: 1 variant allele. Not counted in ClinVar's aggregate classification.

Literature cited by the submitters: PubMed 19043619 (cited by 3 submitters); PubMed 24323938 (cited by Women's Health and Genetics/Laboratory Corporation of America, LabCorp); PubMed 23108138 (cited by 3 submitters); PubMed 18724707 (cited by Women's Health and Genetics/Laboratory Corporation of America, LabCorp); PubMed 18403564 (cited by Women's Health and Genetics/Laboratory Corporation of America, LabCorp); PubMed 29884841 (cited by Women's Health and Genetics/Laboratory Corporation of America, LabCorp and Ambry Genetics); PubMed 29394989 (cited by 3 submitters); PubMed 30583724 (cited by Women's Health and Genetics/Laboratory Corporation of America, LabCorp); PubMed 32042831 (cited by Women's Health and Genetics/Laboratory Corporation of America, LabCorp); PubMed 37067535 (cited by Women's Health and Genetics/Laboratory Corporation of America, LabCorp); PubMed 37725113 (cited by Women's Health and Genetics/Laboratory Corporation of America, LabCorp); PubMed 38417439 (cited by Women's Health and Genetics/Laboratory Corporation of America, LabCorp and Ambry Genetics); PubMed 39402389 (cited by Women's Health and Genetics/Laboratory Corporation of America, LabCorp); PubMed 33503928 (cited by Women's Health and Genetics/Laboratory Corporation of America, LabCorp); PubMed 39375938 (cited by Women's Health and Genetics/Laboratory Corporation of America, LabCorp); PubMed 32444794 (cited by Ambry Genetics); PubMed 33609447 (cited by Ambry Genetics).

NM_000059.4(BRCA2):c.8375T>C (p.Leu2792Pro)

Gene: BRCA2 (BRCA2 DNA repair associated; plus strand). Cytogenetic location: 13q13.1.
Variant type: single nucleotide variant.
Coding change: c.8375T>C on transcript NM_000059.4 (MANE Select); coding-DNA position 8375, T replaced by C.
Protein change: p.Leu2792Pro; replaces leucine 2792 with proline.
Molecular consequence: missense variant.
Genome position (GRCh38, 1-based): chr13:32,370,445, T>C. VCF-style: chr13-32370445-T-C. GRCh37 (hg19) VCF-style: chr13-32944582-T-C.
Other names: NM_000059.4(BRCA2):c.8375T>C; p.Leu2792Pro; short protein forms L2792P.
Identifiers: ClinVar variation 52568 (VCV000052568.23), dbSNP rs28897751, ClinGen allele CA025612.
Genomic context (GRCh38, chr13:32,370,445, plus strand): 5'-TTTATTAATTTGTCCAGATTTCTGCTAACAGTACTCGGCCTGCTCGCTGGTATACCAAAC[T>C]TGGATTCTTTCCTGACCCTAGACCTTTTCCTCTGCCCTTATCATCGCTTTTCAGTGATGG-3'
Protein context (NP_000050.3, residues 2782-2802): STRPARWYTK[Leu2792Pro]GFFPDPRPFP